The following is an entry in ClinVar:

ClinVar aggregate classification (germline): Uncertain significance. Review status: criteria provided, multiple submitters, no conflicts (2 of 4 stars). 3 submissions from 3 submitters: Uncertain significance (3). Last evaluated 2024-10-16.

Conditions:
Autosomal recessive limb-girdle muscular dystrophy type 2W (MDRCMTT). Also called: Muscular dystrophy, autosomal recessive, with cardiomyopathy and triangular tongue; Muscular dystrophy, limb-girdle, type 2W. Identifiers: MedGen C4225192, MONDO:0014788, OMIM 616827.

Allele frequency attached by ClinVar (database versions not stated): gnomAD 0.00005 and 0.00008; ExAC 0.00008; gnomAD exomes 0.00008; TOPMed 0.00009; 1000 Genomes Project 30x 0.00016; 1000 Genomes Project 0.00020.
gnomAD v4.1: 266 of 1,614,144 alleles (0.016%); highest among the groups gnomAD compares: East Asian, 0.065%; no homozygotes.

Submissions (3):

Ambry Genetics
Classification: Uncertain significance. Last evaluated: 2024-10-16. Review status: criteria provided, single submitter. Criteria: Ambry Variant Classification Scheme 2023. Collection method: clinical testing. Allele origin: germline.

Labcorp Genetics (formerly Invitae), Labcorp
Classification: Uncertain significance for Autosomal recessive limb-girdle muscular dystrophy type 2W. Last evaluated: 2024-01-13. Review status: criteria provided, single submitter. Criteria: Invitae Variant Classification Sherloc (09022015). Collection method: clinical testing. Allele origin: germline.
Comment: This sequence change replaces arginine, which is basic and polar, with cysteine, which is neutral and slightly polar, at codon 123 of the LIMS2 protein (p.Arg123Cys). This variant is present in population databases (rs201636855, gnomAD 0.04%). This variant has not been reported in the literature in individuals affected with LIMS2-related conditions. ClinVar contains an entry for this variant (Variation ID: 580827). Advanced modeling of protein sequence and biophysical properties (such as structural, functional, and spatial information, amino acid conservation, physicochemical variation, residue mobility, and thermodynamic stability) performed at Invitae indicates that this missense variant is not expected to disrupt LIMS2 protein function with a negative predictive value of 80%. In summary, the available evidence is currently insufficient to determine the role of this variant in disease. Therefore, it has been classified as a Variant of Uncertain Significance.

Revvity Omics, Revvity
Classification: Uncertain significance for Autosomal recessive limb-girdle muscular dystrophy type 2W. Last evaluated: 2019-05-03. Review status: criteria provided, single submitter. Criteria: ACMG Guidelines, 2015. Collection method: clinical testing. Allele origin: germline.

NM_001161403.3(LIMS2):c.301C>T (p.Arg101Cys)

Gene: LIMS2 (LIM zinc finger domain containing 2; minus strand). Cytogenetic location: 2q14.3.
Variant type: single nucleotide variant.
Coding change: c.301C>T on transcript NM_001161403.3 (MANE Select); coding-DNA position 301, C replaced by T.
Protein change: p.Arg101Cys; replaces arginine 101 with cysteine.
Molecular consequence: missense variant.
Genome position (GRCh38, 1-based): chr2:127,654,482, G>A on the plus strand (C>T on the coding strand, the complement: LIMS2 is on the minus strand). VCF-style: chr2-127654482-G-A. GRCh37 (hg19) VCF-style: chr2-128412056-G-A.
Other names: c.367C>T (NM_001136037.3); c.367C>T, p.Arg123Cys (NM_001136037.4); c.286C>T, p.Arg96Cys (NM_001161404.2); c.373C>T, p.Arg125Cys (NM_017980.5); short protein forms R96C, R125C, R101C, R123C.
Identifiers: ClinVar variation 580827 (VCV000580827.12), dbSNP rs201636855, ClinGen allele CA1863454.
Genomic context (GRCh38, chr2:127,654,482, plus strand): 5'-ACCTGCCGGCATTCTTCACAAAGCCCAGGTCAGCCAGCTCCACATCACACAGCTCGCAGC[G>A]GAAGCAGCCCGGGTGCCAGTTGTTGTTCATGGCCTTGATGACGCGGCCAATGATGAACTC-3'
Protein context (NP_001154875.1, residues 91-111): MNNNWHPGCF[Arg101Cys]CELCDVELAD